The following is an entry in ClinVar:

ClinVar aggregate classification (germline): Uncertain significance (1 of 4 stars; one submission).

Allele frequency attached by ClinVar (database versions not stated): gnomAD exomes below 0.00001 and 0.00003; TOPMed below 0.00001.
gnomAD v4.1: 3 of 1,488,178 alleles (0.0002%); highest among the groups gnomAD compares: Admixed American, 0.0021%; 1 homozygote.

Submission:

Labcorp Genetics (formerly Invitae), Labcorp
Classification: Uncertain significance. Last evaluated: 2022-03-02. Review status: criteria provided, single submitter. Criteria: Invitae Variant Classification Sherloc (09022015). Collection method: clinical testing. Allele origin: germline.
Comment: The frequency data for this variant in the population databases is considered unreliable, as metrics indicate poor data quality at this position in the gnomAD database. This sequence change replaces glycine, which is neutral and non-polar, with serine, which is neutral and polar, at codon 379 of the PRDM13 protein (p.Gly379Ser). This variant has not been reported in the literature in individuals affected with PRDM13-related conditions. Algorithms developed to predict the effect of missense changes on protein structure and function are either unavailable or do not agree on the potential impact of this missense change (SIFT: "Deleterious"; PolyPhen-2: "Possibly Damaging"; Align-GVGD: "Class C0"). Algorithms developed to predict the effect of sequence changes on RNA splicing suggest that this variant may create or strengthen a splice site. In summary, the available evidence is currently insufficient to determine the role of this variant in disease. Therefore, it has been classified as a Variant of Uncertain Significance.

NM_021620.4(PRDM13):c.1135G>A (p.Gly379Ser)

Genes: PRDM13 (PR/SET domain 13; plus strand), LOC129996881 (ATAC-STARR-seq lymphoblastoid silent region 17422; plus strand). Cytogenetic location: 6q16.2.
Variant type: single nucleotide variant.
Coding change: c.1135G>A on transcript NM_021620.4 (MANE Select); coding-DNA position 1135, G replaced by A.
Protein change: p.Gly379Ser; replaces glycine 379 with serine.
Molecular consequence: missense variant.
Genome position (GRCh38, 1-based): chr6:99,613,770, G>A. VCF-style: chr6-99613770-G-A. GRCh37 (hg19) VCF-style: chr6-100061646-G-A.
Other names: short protein forms G379S.
Identifiers: ClinVar variation 1346758 (VCV001346758.8), dbSNP rs1453034873, ClinGen allele CA365117784.